The following is an entry in ClinVar:

ClinVar aggregate classification (germline): Uncertain significance (1 of 4 stars; one submission).

Submission:

Labcorp Genetics (formerly Invitae), Labcorp
Classification: Uncertain significance. Last evaluated: 2025-04-13. Review status: criteria provided, single submitter. Criteria: Invitae Variant Classification Sherloc (09022015). Collection method: clinical testing. Allele origin: germline.
Comment: This sequence change replaces alanine, which is neutral and non-polar, with valine, which is neutral and non-polar, at codon 404 of the RELA protein (p.Ala404Val). This variant is not present in population databases (gnomAD no frequency). This variant has not been reported in the literature in individuals affected with RELA-related conditions. ClinVar contains an entry for this variant (Variation ID: 3718264). An algorithm developed to predict the effect of missense changes on protein structure and function (PolyPhen-2) suggests that this variant is likely to be tolerated. In summary, the available evidence is currently insufficient to determine the role of this variant in disease. Therefore, it has been classified as a Variant of Uncertain Significance.

NM_021975.4(RELA):c.1211C>T (p.Ala404Val)

Gene: RELA (RELA proto-oncogene, NF-kB subunit; minus strand). Cytogenetic location: 11q13.1.
Variant type: single nucleotide variant.
Coding change: c.1211C>T on transcript NM_021975.4 (MANE Select); coding-DNA position 1211, C replaced by T.
Protein change: p.Ala404Val; replaces alanine 404 with valine.
Molecular consequence: missense variant. On other transcripts: intron variant (1).
Genome position (GRCh38, 1-based): chr11:65,654,823, G>A on the plus strand (C>T on the coding strand, the complement: RELA is on the minus strand). VCF-style: chr11-65654823-G-A. GRCh37 (hg19) VCF-style: chr11-65422294-G-A.
Other names: c.1202C>T, p.Ala401Val (NM_001145138.2); c.1211C>T, p.Ala404Val (NM_001243985.2); c.1244C>T, p.Ala415Val (NM_001404657.1); c.1184C>T, p.Ala395Val (NM_001404658.1); c.998C>T, p.Ala333Val (NM_001404659.1); c.893C>T, p.Ala298Val (NM_001404660.1); c.830C>T, p.Ala277Val (NM_001404661.1); c.1118C>T, p.Ala373Val (NM_001404662.1, NM_001404663.1); and 1 more; short protein forms A333V, A298V, A401V, A415V, A277V, A373V, A395V, A404V.
Identifiers: ClinVar variation 3718264 (VCV003718264.2).